The following is an entry in ClinVar:

NM_000193.4(SHH):c.1082C>T (p.Ala361Val)

Gene: SHH (sonic hedgehog signaling molecule; minus strand). Cytogenetic location: 7q36.3.
Variant type: single nucleotide variant.
Coding change: c.1082C>T on transcript NM_000193.4 (MANE Select); coding-DNA position 1082, C replaced by T.
Protein change: p.Ala361Val; replaces alanine 361 with valine.
Molecular consequence: missense variant. On other transcripts: intron variant (1).
Genome position (GRCh38, 1-based): chr7:155,803,207, G>A on the plus strand (C>T on the coding strand, the complement: SHH is on the minus strand). VCF-style: chr7-155803207-G-A. GRCh37 (hg19) VCF-style: chr7-155595901-G-A.
Other names: c.302-2962C>T (NM_001310462.2); short protein forms A361V.
Identifiers: ClinVar variation 2499706 (VCV002499706.1), dbSNP rs757501714, ClinGen allele CA4586918.

ClinVar aggregate classification (germline): Uncertain significance (1 of 4 stars; one submission).

Allele frequency attached by ClinVar (database versions not stated): gnomAD 0.00001; TOPMed 0.00002.
gnomAD v4.1: 24 of 1,505,648 alleles (0.0016%); highest among the groups gnomAD compares: Admixed American, 0.0021%; no homozygotes.

Submission:

GeneDx
Classification: Uncertain significance. Last evaluated: 2022-10-19. Review status: criteria provided, single submitter. Criteria: GeneDx Variant Classification Process June 2021. Collection method: clinical testing. Allele origin: germline. Affected: yes.
Comment: Not observed at significant frequency in large population cohorts (gnomAD); In silico analysis supports that this missense variant does not alter protein structure/function; Has not been previously published as pathogenic or benign to our knowledge